The following is an entry in ClinVar:

NM_014874.4(MFN2):c.2183A>G (p.Gln728Arg)

Gene: MFN2 (mitofusin 2; plus strand). Cytogenetic location: 1p36.22.
Variant type: single nucleotide variant.
Coding change: c.2183A>G on transcript NM_014874.4 (MANE Select); coding-DNA position 2183, A replaced by G.
Protein change: p.Gln728Arg; replaces glutamine 728 with arginine.
Molecular consequence: missense variant.
Genome position (GRCh38, 1-based): chr1:12,009,705, A>G. VCF-style: chr1-12009705-A-G. GRCh37 (hg19) VCF-style: chr1-12069762-A-G.
Other names: c.2183A>G, p.Gln728Arg (NM_001127660.2); short protein forms Q728R.
Identifiers: ClinVar variation 4739064 (VCV004739064.1).
Genomic context (GRCh38, chr1:12,009,705, plus strand): 5'-AGAACCTGGAGCAGGAAATTGCCGCCATGAACAAGAAAATTGAGGTTCTTGACTCACTTC[A>G]GAGCAAAGCAAAGCTGCTCAGGTGAGGCTGGCCCGTGTGGCCAAAGGTTAGGGCTCCAGG-3'
Protein context (NP_055689.1, residues 718-738): NKKIEVLDSL[Gln728Arg]SKAKLLRNKA

ClinVar aggregate classification (germline): Uncertain significance (1 of 4 stars; one submission).

Conditions:
Charcot-Marie-Tooth disease type 2. Also called: Charcot-Marie-Tooth type 2. Identifiers: Orphanet 64746, MedGen C0270914, MONDO:0018993.

gnomAD v4.1: 2 of 1,614,262 alleles (0.00012%); highest among the groups gnomAD compares: Non-Finnish European, 0.00017%; no homozygotes.

Submission:

Labcorp Genetics (formerly Invitae), Labcorp
Classification: Uncertain significance for Charcot-Marie-Tooth disease type 2. Last evaluated: 2025-10-31. Review status: criteria provided, single submitter. Criteria: Invitae Variant Classification Sherloc (09022015). Collection method: clinical testing. Allele origin: germline.
Comment: This sequence change replaces glutamine, which is neutral and polar, with arginine, which is basic and polar, at codon 728 of the MFN2 protein (p.Gln728Arg). This variant is not present in population databases (gnomAD no frequency). This missense change has been observed in individual(s) with clinical features of MFN2-related conditions (PMID: 30564185). Invitae Evidence Modeling of protein sequence and biophysical properties (such as structural, functional, and spatial information, amino acid conservation, physicochemical variation, residue mobility, and thermodynamic stability) has been performed for this missense variant. However, the output from this modeling did not meet the statistical confidence thresholds required to predict the impact of this variant on MFN2 protein function. In summary, the available evidence is currently insufficient to determine the role of this variant in disease. Therefore, it has been classified as a Variant of Uncertain Significance.

Literature cited by the submitters: PubMed 30564185.